The following is an entry in ClinVar:

ClinVar aggregate classification (germline): Uncertain significance (1 of 4 stars; one submission).

Conditions:
Hereditary cancer-predisposing syndrome. Also called: Hereditary neoplastic syndrome; Hereditary Cancer Syndrome; Neoplastic Syndromes, Hereditary; Tumor predisposition. Identifiers: Orphanet 140162, MedGen C0027672, MeSH D009386, MONDO:0015356.

Submission:

Ambry Genetics
Classification: Uncertain significance for Hereditary cancer-predisposing syndrome. Last evaluated: 2023-03-26. Review status: criteria provided, single submitter. Criteria: Ambry Variant Classification Scheme 2023. Collection method: clinical testing. Allele origin: germline.
Comment: The p.L214Q variant (also known as c.641T>A), located in coding exon 7 of the NF2 gene, results from a T to A substitution at nucleotide position 641. The leucine at codon 214 is replaced by glutamine, an amino acid with dissimilar properties. This amino acid position is conserved. In addition, this alteration is predicted to be deleterious by in silico analysis. Since supporting evidence is limited at this time, the clinical significance of this alteration remains unclear.

NM_000268.4(NF2):c.641T>A (p.Leu214Gln)

Gene: NF2 (NF2, moesin-ezrin-radixin like (MERLIN) tumor suppressor; plus strand). Cytogenetic location: 22q12.2.
Variant type: single nucleotide variant.
Coding change: c.641T>A on transcript NM_000268.4 (MANE Select); coding-DNA position 641, T replaced by A.
Protein change: p.Leu214Gln; replaces leucine 214 with glutamine.
Molecular consequence: missense variant. On other transcripts: intron variant (1).
Genome position (GRCh38, 1-based): chr22:29,658,230, T>A. VCF-style: chr22-29658230-T-A. GRCh37 (hg19) VCF-style: chr22-30054219-T-A.
Other names: c.527T>A, p.Leu176Gln (NM_001407053.1, NM_001407056.1); c.518T>A, p.Leu173Gln (NM_001407054.1, NM_001407058.1, NM_001407062.1 and 1 more transcripts); c.515T>A, p.Leu172Gln (NM_001407055.1, NM_181828.3); c.641T>A, p.Leu214Gln (NM_001407057.1, NM_001407059.1, NM_001407060.1 and 4 more transcripts); c.392T>A, p.Leu131Gln (NM_001407063.1, NM_001407064.1, NM_181830.3 and 1 more transcripts); c.107T>A, p.Leu36Gln (NM_001407065.1); c.410T>A, p.Leu137Gln (NM_001407067.1); c.447+15945T>A (NM_181833.3); short protein forms L172Q, L176Q, L36Q, L137Q, L173Q, L131Q, L214Q.
Identifiers: ClinVar variation 2568043 (VCV002568043.2), dbSNP rs1601618585, ClinGen allele CA411143059.